The following is an entry in ClinVar:

NM_001042492.3(NF1):c.7402A>G (p.Met2468Val)

Gene: NF1 (neurofibromin 1; plus strand). Cytogenetic location: 17q11.2.
Variant type: single nucleotide variant.
Coding change: c.7402A>G on transcript NM_001042492.3 (MANE Select); coding-DNA position 7402, A replaced by G.
Protein change: p.Met2468Val; replaces methionine 2468 with valine.
Molecular consequence: missense variant.
Genome position (GRCh38, 1-based): chr17:31,350,263, A>G. VCF-style: chr17-31350263-A-G. GRCh37 (hg19) VCF-style: chr17-29677281-A-G.
Other names: c.7339A>G, p.Met2447Val (NM_000267.4); short protein forms M2447V, M2468V.
Identifiers: ClinVar variation 457840 (VCV000457840.16), dbSNP rs151211377, ClinGen allele CA8487566.

ClinVar aggregate classification (germline): Conflicting classifications of pathogenicity. Review status: criteria provided, conflicting classifications (1 of 4 stars). 6 submissions from 5 submitters: Uncertain significance (4); Likely benign (2). Last evaluated 2025-11-17.

Conditions:
Cardiovascular phenotype. Identifiers: MedGen CN230736.
Hereditary cancer-predisposing syndrome. Also called: Hereditary Cancer Syndrome; Hereditary neoplastic syndrome; Tumor predisposition; Neoplastic Syndromes, Hereditary. Identifiers: Orphanet 140162, MedGen C0027672, MeSH D009386, MONDO:0015356.
Neurofibromatosis, type 1 (NF1). Also called: VON RECKLINGHAUSEN DISEASE; NEUROFIBROMATOSIS, TYPE I, SOMATIC; Peripheral type neurofibromatosis; Neurofibromatosis, type I. Identifiers: Orphanet 636, MedGen C0027831, MONDO:0018975, OMIM 162200. Disease mechanism: loss of function.
Café-au-lait macules with pulmonary stenosis (WTSN). Also called: PULMONIC STENOSIS WITH CAFE-AU-LAIT SPOTS. Identifiers: MedGen C0553586, MONDO:0008672, OMIM 193520.
Juvenile myelomonocytic leukemia (JMML). Also called: LEUKEMIA, JUVENILE MYELOMONOCYTIC, SOMATIC. Identifiers: Orphanet 86834, MedGen C0349639, MONDO:0011908, OMIM 607785, HP:0012209.
Neurofibromatosis-Noonan syndrome (NFNS). Also called: NEUROFIBROMATOSIS WITH NOONAN PHENOTYPE. Identifiers: Orphanet 638, MedGen C2931482, MONDO:0011035, OMIM 601321. Disease mechanism: loss of function.
Neurofibromatosis, familial spinal (FSNF). Identifiers: Orphanet 636, MedGen C1834235, MONDO:0008078, OMIM 162210. Disease mechanism: loss of function.

Allele frequency attached by ClinVar (database versions not stated): gnomAD exomes below 0.00001; TOPMed below 0.00001; ExAC 0.00001; gnomAD 0.00001; ESP Exome Variant Server 0.00015.
gnomAD v4.1: 8 of 1,613,542 alleles (0.0005%); highest among the groups gnomAD compares: African/African-American, 0.0013%; no homozygotes.

Submissions (6):

Labcorp Genetics (formerly Invitae), Labcorp
Classification: Likely benign for Neurofibromatosis, type 1. Last evaluated: 2025-11-17. Review status: criteria provided, single submitter. Criteria: Invitae Variant Classification Sherloc (09022015). Collection method: clinical testing. Allele origin: germline.

Fulgent Genetics
Classification: Uncertain significance for Neurofibromatosis, type 1; Neurofibromatosis, familial spinal; Café-au-lait macules with pulmonary stenosis; Neurofibromatosis-Noonan syndrome; Juvenile myelomonocytic leukemia. Last evaluated: 2024-05-14. Review status: criteria provided, single submitter. Criteria: ACMG Guidelines, 2015. Collection method: clinical testing. Allele origin: germline.

Ambry Genetics
Classification: Likely benign for Cardiovascular phenotype; Hereditary cancer-predisposing syndrome. Last evaluated: 2023-08-03. Review status: criteria provided, single submitter. Criteria: Ambry Variant Classification Scheme 2023. Collection method: clinical testing. Allele origin: germline.

Genome-Nilou Lab
Classification: Uncertain significance for Neurofibromatosis, type 1. Last evaluated: 2022-03-15. Review status: criteria provided, single submitter. Criteria: ACMG Guidelines, 2015. Collection method: clinical testing. Allele origin: germline. Affected: no.

GeneDx
Classification: Uncertain significance. Last evaluated: 2021-06-21. Review status: criteria provided, single submitter. Criteria: GeneDx Variant Classification Process June 2021. Collection method: clinical testing. Allele origin: germline. Affected: yes.
Comment: In silico analysis supports that this missense variant does not alter protein structure/function; Has not been previously published as pathogenic or benign to our knowledge

Ambry Genetics
Classification: Uncertain significance for Hereditary cancer-predisposing syndrome. Last evaluated: 2016-02-28. Review status: criteria provided, single submitter. Criteria: Ambry Autosomal Dominant and X-Linked criteria (10/2015). Collection method: clinical testing. Allele origin: germline. Observed: 1 variant allele.
Comment: The p.M2468V variant (also known as c.7402A>G), located in coding exon 50 of the NF1 gene, results from an A to G substitution at nucleotide position 7402. The methionine at codon 2468 is replaced by valine, an amino acid with highly similar properties. This variant was previously reported in the SNPDatabase as rs151211377. Based on data from the NHLBI Exome Sequencing Project (ESP), the G allele has an overall frequency of approximately 0.02% (2/13006) total alleles studied, having been observed in 0.05% (2/4406) African American alleles. To date, this alteration has been detected with an allele frequency of approximately 0.001% (greater than 110000alleles tested) in our clinical cohort.This amino acid position is highly conserved in available vertebrate species. However, this alteration is predicted to be benign and tolerated by PolyPhen and SIFT in silico analyses, respectively.Since supporting evidence is limited at this time, the clinical significance of this alterationremains unclear.